The following is an entry in ClinVar:

ClinVar aggregate classification (germline): Conflicting classifications of pathogenicity. Review status: criteria provided, conflicting classifications (1 of 4 stars). 3 submissions from 3 submitters: Uncertain significance (2); Likely benign (1). Last evaluated 2025-05-06.

Conditions:
Hereditary breast ovarian cancer syndrome. Also called: BRCA1- and BRCA2-Associated Hereditary Breast and Ovarian Cancer; Hereditary breast and/or ovarian cancer syndrome; Hereditary breast and ovarian cancer syndrome; Hereditary breast and ovarian cancer; Breast and ovarian cancer; Hereditary breast and ovarian cancer syndrome (HBOC). Identifiers: Orphanet 145, MedGen C0677776, MeSH D061325, MONDO:0003582. Disease mechanism: loss of function.
Hereditary cancer-predisposing syndrome. Also called: Tumor predisposition; Hereditary neoplastic syndrome; Hereditary Cancer Syndrome; Neoplastic Syndromes, Hereditary. Identifiers: Orphanet 140162, MedGen C0027672, MeSH D009386, MONDO:0015356.

Allele frequency attached by ClinVar (database versions not stated): gnomAD exomes below 0.00001.
gnomAD v4.1: 2 of 1,614,016 alleles (0.00012%); highest among the groups gnomAD compares: Non-Finnish European, 0.00017%; no homozygotes.

Submissions (3):

GeneDx
Classification: Uncertain significance. Last evaluated: 2025-05-06. Review status: criteria provided, single submitter. Criteria: GeneDx Variant Classification Process June 2021. Collection method: clinical testing. Allele origin: germline. Affected: yes.
Comment: Not observed at significant frequency in large population cohorts (gnomAD); In silico analysis supports that this missense variant has a deleterious effect on protein structure/function; Has not been previously published as pathogenic or benign to our knowledge; Also known as 2330T>C

Labcorp Genetics (formerly Invitae), Labcorp
Classification: Uncertain significance for Hereditary breast ovarian cancer syndrome. Last evaluated: 2024-03-13. Review status: criteria provided, single submitter. Criteria: Invitae Variant Classification Sherloc (09022015). Collection method: clinical testing. Allele origin: germline.
Comment: This sequence change replaces phenylalanine, which is neutral and non-polar, with serine, which is neutral and polar, at codon 701 of the BRCA2 protein (p.Phe701Ser). This variant is not present in population databases (gnomAD no frequency). This variant has not been reported in the literature in individuals affected with BRCA2-related conditions. ClinVar contains an entry for this variant (Variation ID: 938563). Advanced modeling of protein sequence and biophysical properties (such as structural, functional, and spatial information, amino acid conservation, physicochemical variation, residue mobility, and thermodynamic stability) performed at Invitae indicates that this missense variant is not expected to disrupt BRCA2 protein function with a negative predictive value of 95%. In summary, the available evidence is currently insufficient to determine the role of this variant in disease. Therefore, it has been classified as a Variant of Uncertain Significance.

University of Washington Department of Laboratory Medicine, University of Washington
Classification: Likely benign for Hereditary cancer-predisposing syndrome. Last evaluated: 2023-03-23. Review status: criteria provided, single submitter. Criteria: Dines et al. (Genet Med. 2020). Collection method: curation. Allele origin: germline.
Comment: Missense variant in a coldspot region where missense variants are very unlikely to be pathogenic (PMID:31911673).

BRCA2 exon 11 coldspot. Reclassification based on statistical prior probability.

NM_000059.4(BRCA2):c.2102T>C (p.Phe701Ser)

Gene: BRCA2 (BRCA2 DNA repair associated; plus strand). Cytogenetic location: 13q13.1.
Variant type: single nucleotide variant.
Coding change: c.2102T>C on transcript NM_000059.4 (MANE Select); coding-DNA position 2102, T replaced by C.
Protein change: p.Phe701Ser; replaces phenylalanine 701 with serine.
Molecular consequence: missense variant.
Genome position (GRCh38, 1-based): chr13:32,336,457, T>C. VCF-style: chr13-32336457-T-C. GRCh37 (hg19) VCF-style: chr13-32910594-T-C.
Other names: short protein forms F701S.
Identifiers: ClinVar variation 938563 (VCV000938563.11), dbSNP rs1045996745, ClinGen allele CA387769918.